The following is an entry in ClinVar:

ClinVar aggregate classification (germline): Uncertain significance (1 of 4 stars; one submission).

gnomAD v4.1: 2 of 1,614,124 alleles (0.00012%); highest among the groups gnomAD compares: South Asian, 0.0011%; no homozygotes.

Submission:

Labcorp Genetics (formerly Invitae), Labcorp
Classification: Uncertain significance. Last evaluated: 2025-06-04. Review status: criteria provided, single submitter. Criteria: Invitae Variant Classification Sherloc (09022015). Collection method: clinical testing. Allele origin: germline.
Comment: This sequence change replaces methionine, which is neutral and non-polar, with valine, which is neutral and non-polar, at codon 706 of the DNM1L protein (p.Met706Val). This variant is not present in population databases (gnomAD no frequency). This variant has not been reported in the literature in individuals affected with DNM1L-related conditions. ClinVar contains an entry for this variant (Variation ID: 3671839). An algorithm developed to predict the effect of missense changes on protein structure and function (PolyPhen-2) suggests that this variant is likely to be tolerated. In summary, the available evidence is currently insufficient to determine the role of this variant in disease. Therefore, it has been classified as a Variant of Uncertain Significance.

NM_012062.5(DNM1L):c.2116A>G (p.Met706Val)

Gene: DNM1L (dynamin 1 like; plus strand). Cytogenetic location: 12p11.21.
Variant type: single nucleotide variant.
Coding change: c.2116A>G on transcript NM_012062.5 (MANE Select); coding-DNA position 2116, A replaced by G.
Protein change: p.Met706Val; replaces methionine 706 with valine.
Molecular consequence: missense variant.
Genome position (GRCh38, 1-based): chr12:32,742,710, A>G. VCF-style: chr12-32742710-A-G. GRCh37 (hg19) VCF-style: chr12-32895644-A-G.
Other names: c.2083A>G, p.Met695Val (NM_001278463.2); c.2155A>G, p.Met719Val (NM_001278464.2); c.2122A>G, p.Met708Val (NM_001278465.2); c.1507A>G, p.Met503Val (NM_001278466.2); c.2044A>G, p.Met682Val (NM_001330380.2); c.2005A>G, p.Met669Val (NM_005690.5); c.2038A>G, p.Met680Val (NM_012063.4); short protein forms M706V, M708V, M719V, M680V, M503V, M669V, M682V, M695V.
Identifiers: ClinVar variation 3671839 (VCV003671839.2).